The following is an entry in ClinVar:

NM_007131.5(ZNF75D):c.280T>C (p.Leu94=)

Gene: ZNF75D (zinc finger protein 75D; minus strand). Cytogenetic location: Xq26.3.
Variant type: single nucleotide variant.
Coding change: c.280T>C on transcript NM_007131.5 (MANE Select); coding-DNA position 280, T replaced by C.
Protein change: p.Leu94=; no amino-acid change (leucine 94 retained).
Molecular consequence: synonymous variant.
Genome position (GRCh38, 1-based): chrX:135,293,861, A>G on the plus strand (T>C on the coding strand, the complement: ZNF75D is on the minus strand). VCF-style: chrX-135293861-A-G. GRCh37 (hg19) VCF-style: chrX-134427787-A-G.
Other names: c.280T>C, p.Leu94= (NM_001185063.2).
Identifiers: ClinVar variation 4873147 (VCV004873147.2).
Genomic context (GRCh38, chrX:135,293,861, plus strand): 5'-GATGATGCTTCTGCACCCAGTTCTGGGTCTCCTTGGGCAGAATGCTCAGGAACTGCTCTA[A>G]CACCAGCATTTCCAAGATCTGCTCTTTTGAGTGGATCTCTGGCCTCAGCCACTGATGGCA-3'
Protein context (NP_009062.2, residues 84-104): SKEQILEMLV[Leu94=]EQFLSILPKE

ClinVar aggregate classification (germline): Likely benign (1 of 4 stars; one submission).

Submission:

CeGaT Center for Human Genetics Tuebingen
Classification: Likely benign. Last evaluated: 2026-05-01. Review status: criteria provided, single submitter. Criteria: CeGaT Center For Human Genetics Tuebingen Variant Classification Criteria Version 2. Collection method: clinical testing. Allele origin: germline. Affected: yes. Observed: 1 variant allele.
Comment: ZNF75D: PM2:Supporting, BP4, BP7